The following is an entry in ClinVar:

ClinVar aggregate classification (germline): Likely benign. Review status: criteria provided, single submitter (1 of 4 stars). 3 submissions from 3 submitters: Likely benign (1). 2 of the submissions do not count toward it. Last evaluated 2026-03-01.

Allele frequency attached by ClinVar (database versions not stated): TOPMed 0.00001; gnomAD exomes 0.00002 and 0.00003; ExAC 0.00004.
gnomAD v4.1: 42 of 1,201,909 alleles (0.0035%); highest among the groups gnomAD compares: Middle Eastern, 0.023%; no homozygotes.

Submissions (3):

CeGaT Center for Human Genetics Tuebingen
Classification: Likely benign. Last evaluated: 2026-03-01. Review status: criteria provided, single submitter. Criteria: CeGaT Center For Human Genetics Tuebingen Variant Classification Criteria Version 2. Collection method: clinical testing. Allele origin: germline. Affected: yes. Observed: 4 variant alleles.
Comment: CCDC22: BP4, BS2

Clinical Genetics DNA and cytogenetics Diagnostics Lab, Erasmus MC, Erasmus Medical Center
Classification: Likely benign. Review status: no assertion criteria provided. Collection method: clinical testing. Allele origin: germline. Affected: yes. Study: VKGL Data-share Consensus. Not counted in ClinVar's aggregate classification.

Laboratory of Diagnostic Genome Analysis, Leiden University Medical Center (LUMC)
Classification: Likely benign. Review status: no assertion criteria provided. Collection method: clinical testing. Allele origin: germline. Affected: yes. Study: VKGL Data-share Consensus. Not counted in ClinVar's aggregate classification.

NM_014008.5(CCDC22):c.553G>A (p.Ala185Thr)

Gene: CCDC22 (CCC complex scaffolding subunit CCDC22; plus strand). Cytogenetic location: Xp11.23.
Variant type: single nucleotide variant.
Coding change: c.553G>A on transcript NM_014008.5 (MANE Select); coding-DNA position 553, G replaced by A.
Protein change: p.Ala185Thr; replaces alanine 185 with threonine.
Molecular consequence: missense variant.
Genome position (GRCh38, 1-based): chrX:49,243,301, G>A. VCF-style: chrX-49243301-G-A. GRCh37 (hg19) VCF-style: chrX-49099767-G-A.
Other names: short protein forms A185T.
Identifiers: ClinVar variation 1206362 (VCV001206362.26), dbSNP rs782522722, ClinGen allele CA10411276.
Genomic context (GRCh38, chrX:49,243,301, plus strand): 5'-GTTGCCATGCGGCAGGGCCAGCTGACTCTGTTCCTGCCTCCAGAGCCACGGGAGTTCCAG[G>A]CGAGTCCCCTGCTGCTTCCAGTCCCTACCCAGGTGCCTCAGCCTGTTGGAAGGGTGGCCT-3'
Protein context (NP_054727.1, residues 175-195): SSRGEPREFQ[Ala185Thr]SPLLLPVPTQ